The following is an entry in ClinVar:

NM_018076.5(ODAD2):c.564dup (p.His189fs)

Gene: ODAD2 (outer dynein arm docking complex subunit 2; minus strand). Cytogenetic location: 10p12.1.
Variant type: Duplication.
Coding change: c.564dup on transcript NM_018076.5 (MANE Select); coding-DNA position 564, one base duplicated (A; older notation c.564dupA).
Protein change: p.His189fs; shifts the reading frame from histidine 189.
Molecular consequence: frameshift variant.
Genome position (GRCh38, 1-based): chr10:27,985,030, T duplicated on the plus strand (A on the coding strand, the reverse complement: ODAD2 is on the minus strand); the first of 4 consecutive T bases (chr10:27,985,030-27,985,033); duplicating any one gives the same sequence. VCF-style (leftmost placement, unchanged base first): chr10-27985029-G-GT. GRCh37 (hg19) VCF-style: chr10-28273958-G-GT.
Other names: c.564dup, p.His189fs (NM_001290020.2); c.564dup (NM_018076.2); short protein forms H189fs.
Identifiers: ClinVar variation 653813 (VCV000653813.4), dbSNP rs1588663203, ClinGen allele CA915945880.
Genomic context (GRCh38, chr10:27,985,029, plus strand): 5'-GTGCAATCTTGGCTCAATACAATAGAGGTTCCTTTTTGAAAAAGACTCACAATGAAATAT[G>GT]TTTTAGAGAATGATTGAGGAGGTGCAGATCCAATTGCTTAAGCAGCATAGCAATCTTCAT-3'

ClinVar aggregate classification (germline): Pathogenic (1 of 4 stars; one submission).

Conditions:
Primary ciliary dyskinesia 23 (CILD23). Also called: CILIARY DYSKINESIA, PRIMARY, 23, WITH OR WITHOUT SITUS INVERSUS. Identifiers: Orphanet 244, MedGen C3809548, MONDO:0014193, OMIM 615451.

Submission:

Labcorp Genetics (formerly Invitae), Labcorp
Classification: Pathogenic for Primary ciliary dyskinesia 23. Last evaluated: 2024-10-27. Review status: criteria provided, single submitter. Criteria: Invitae Variant Classification Sherloc (09022015). Collection method: clinical testing. Allele origin: germline.
Comment: This sequence change creates a premature translational stop signal (p.His189Thrfs*36) in the ARMC4 gene. It is expected to result in an absent or disrupted protein product. Loss-of-function variants in ARMC4 are known to be pathogenic (PMID: 23849778). This variant is not present in population databases (gnomAD no frequency). This variant has not been reported in the literature in individuals affected with ARMC4-related conditions. ClinVar contains an entry for this variant (Variation ID: 653813). For these reasons, this variant has been classified as Pathogenic.

Literature cited by the submitters: PubMed 23849778.